The following is an entry in ClinVar:

ClinVar aggregate classification (germline): Uncertain significance (1 of 4 stars; one submission).

Conditions:
Myopathy, proximal, and ophthalmoplegia (CMYO6). Also called: CONGENITAL MYOPATHY 6 WITH OPHTHALMOPLEGIA; INCLUSION BODY MYOPATHY 3, AUTOSOMAL DOMINANT; MYOPATHY WITH CONGENITAL JOINT CONTRACTURES, OPHTHALMOPLEGIA, AND RIMMED VACUOLES. Identifiers: Orphanet 363677, Orphanet 79091, MedGen C1854106, MONDO:0011577, OMIM 605637.

Allele frequency attached by ClinVar (database versions not stated): TOPMed below 0.00001; ExAC 0.00001; gnomAD 0.00001; ESP Exome Variant Server 0.00008.
gnomAD v4.1: 1 of 1,614,068 alleles (0.000062%); highest among the groups gnomAD compares: African/African-American, 0.0013%; no homozygotes.

Submission:

Labcorp Genetics (formerly Invitae), Labcorp
Classification: Uncertain significance for Myopathy, proximal, and ophthalmoplegia. Last evaluated: 2023-12-26. Review status: criteria provided, single submitter. Criteria: Invitae Variant Classification Sherloc (09022015). Collection method: clinical testing. Allele origin: germline.
Comment: This sequence change replaces alanine, which is neutral and non-polar, with valine, which is neutral and non-polar, at codon 1678 of the MYH2 protein (p.Ala1678Val). This variant is not present in population databases (gnomAD no frequency). This variant has not been reported in the literature in individuals affected with MYH2-related conditions. Advanced modeling of protein sequence and biophysical properties (such as structural, functional, and spatial information, amino acid conservation, physicochemical variation, residue mobility, and thermodynamic stability) performed at Invitae indicates that this missense variant is not expected to disrupt MYH2 protein function with a negative predictive value of 80%. In summary, the available evidence is currently insufficient to determine the role of this variant in disease. Therefore, it has been classified as a Variant of Uncertain Significance.

NM_017534.6(MYH2):c.5033C>T (p.Ala1678Val)

Genes: MYH2 (myosin heavy chain 2; minus strand), MYHAS (myosin heavy chain gene cluster antisense RNA; plus strand), LOC126862500 (BRD4-independent group 4 enhancer GRCh37_chr17:10427829-10429028; plus strand). Cytogenetic location: 17p13.1.
Variant type: single nucleotide variant.
Coding change: c.5033C>T on transcript NM_017534.6 (MANE Select); coding-DNA position 5033, C replaced by T.
Protein change: p.Ala1678Val; replaces alanine 1678 with valine.
Molecular consequence: missense variant.
Genome position (GRCh38, 1-based): chr17:10,524,608, G>A on the plus strand (C>T on the coding strand, the complement: MYH2 is on the minus strand). VCF-style: chr17-10524608-G-A. GRCh37 (hg19) VCF-style: chr17-10427925-G-A.
Other names: c.5033C>T, p.Ala1678Val (NM_001100112.2); short protein forms A1678V.
Identifiers: ClinVar variation 2853206 (VCV002853206.3), dbSNP rs367873267, ClinGen allele CA8390507.